The following is an entry in ClinVar:

ClinVar aggregate classification (germline): Uncertain significance (1 of 4 stars; one submission).

Allele frequency attached by ClinVar (database versions not stated): ExAC 0.00001; gnomAD 0.00001; TOPMed 0.00002; ESP Exome Variant Server 0.00008.
gnomAD v4.1: 2 of 1,614,048 alleles (0.00012%); highest among the groups gnomAD compares: African/African-American, 0.0027%; no homozygotes.

Submission:

Labcorp Genetics (formerly Invitae), Labcorp
Classification: Uncertain significance. Last evaluated: 2022-05-21. Review status: criteria provided, single submitter. Criteria: Invitae Variant Classification Sherloc (09022015). Collection method: clinical testing. Allele origin: germline.
Comment: This variant is present in population databases (rs369728070, gnomAD 0.007%). This variant has not been reported in the literature in individuals affected with FAM111A-related conditions. Algorithms developed to predict the effect of missense changes on protein structure and function are either unavailable or do not agree on the potential impact of this missense change (SIFT: "Deleterious"; PolyPhen-2: "Benign"; Align-GVGD: "Class C0"). In summary, the available evidence is currently insufficient to determine the role of this variant in disease. Therefore, it has been classified as a Variant of Uncertain Significance. This sequence change replaces glutamine, which is neutral and polar, with proline, which is neutral and non-polar, at codon 280 of the FAM111A protein (p.Gln280Pro).

NM_001312909.2(FAM111A):c.839A>C (p.Gln280Pro)

Gene: FAM111A (FAM111 trypsin like peptidase A; plus strand). Cytogenetic location: 11q12.1.
Variant type: single nucleotide variant.
Coding change: c.839A>C on transcript NM_001312909.2 (MANE Select); coding-DNA position 839, A replaced by C.
Protein change: p.Gln280Pro; replaces glutamine 280 with proline.
Molecular consequence: missense variant.
Genome position (GRCh38, 1-based): chr11:59,152,507, A>C. VCF-style: chr11-59152507-A-C. GRCh37 (hg19) VCF-style: chr11-58919980-A-C.
Other names: c.839A>C, p.Gln280Pro (NM_001374869.1, NM_001374870.1, NM_022074.4 and 29 more transcripts); short protein forms Q280P.
Identifiers: ClinVar variation 1947451 (VCV001947451.5), dbSNP rs369728070, ClinGen allele CA6016657.
Genomic context (GRCh38, chr11:59,152,507, plus strand): 5'-AAGGCAGATACTTTCAGGTTGAGGTTGAGAAAAGAATGGTCCCCAGTGCAGCAGCTTCTC[A>C]GAATCCTGAGTCAGAGAAAAGAAACACCTGTGTGTTGAGAGAACAAATCGTGGCTCAGTA-3'
Protein context (NP_001299838.1, residues 270-290): KRMVPSAAAS[Gln280Pro]NPESEKRNTC